The following is an entry in ClinVar:

NM_000038.6(APC):c.2380A>G (p.Ser794Gly)

Gene: APC (APC regulator of Wnt signaling pathway; plus strand). Cytogenetic location: 5q22.2.
Variant type: single nucleotide variant.
Coding change: c.2380A>G on transcript NM_000038.6 (MANE Select); coding-DNA position 2380, A replaced by G.
Protein change: p.Ser794Gly; replaces serine 794 with glycine.
Molecular consequence: missense variant. On other transcripts: non-coding transcript variant (2).
Genome position (GRCh38, 1-based): chr5:112,837,974, A>G. VCF-style: chr5-112837974-A-G. GRCh37 (hg19) VCF-style: chr5-112173671-A-G.
Other names: c.2380A>G, p.Ser794Gly (NM_001127510.3, NM_001354895.2, NM_001407450.1); c.2326A>G, p.Ser776Gly (NM_001127511.3); c.2434A>G, p.Ser812Gly (NM_001354896.2, NM_001407447.1, NM_001407448.1 and 1 more transcripts); c.2410A>G, p.Ser804Gly (NM_001354897.2); c.2305A>G, p.Ser769Gly (NM_001354898.2); c.2296A>G, p.Ser766Gly (NM_001354899.2); c.2257A>G, p.Ser753Gly (NM_001354900.2); c.2203A>G, p.Ser735Gly (NM_001354901.2, NM_001407453.1); and 12 more; short protein forms S665G, S735G, S804G, S410G, S511G, S693G, S703G, S766G.
Identifiers: ClinVar variation 2865822 (VCV002865822.4), dbSNP rs1765166750, ClinGen allele CA16026562.

ClinVar aggregate classification (germline): Uncertain significance. Review status: criteria provided, multiple submitters, no conflicts (2 of 4 stars). 2 submissions from 2 submitters: Uncertain significance (2). Last evaluated 2025-05-25.

Conditions:
Hereditary cancer-predisposing syndrome. Also called: Hereditary neoplastic syndrome; Tumor predisposition; Neoplastic Syndromes, Hereditary; Hereditary Cancer Syndrome. Identifiers: Orphanet 140162, MedGen C0027672, MeSH D009386, MONDO:0015356.
Familial adenomatous polyposis 1 (FAP1). Also called: FAMILIAL ADENOMATOUS POLYPOSIS 1, ATTENUATED; POLYPOSIS, ADENOMATOUS INTESTINAL. Identifiers: MedGen C2713442, MONDO:0021056, OMIM 175100. Disease mechanism: loss of function.

Allele frequency attached by ClinVar (database versions not stated): gnomAD 0.00001.
gnomAD v4.1: 1 of 1,614,046 alleles (0.000062%); highest among the groups gnomAD compares: Admixed American, 0.0017%; no homozygotes.

Submissions (2):

Ambry Genetics
Classification: Uncertain significance for Hereditary cancer-predisposing syndrome. Last evaluated: 2025-05-25. Review status: criteria provided, single submitter. Criteria: Ambry Variant Classification Scheme 2023. Collection method: clinical testing. Allele origin: germline.
Comment: The p.S794G variant (also known as c.2380A>G), located in coding exon 15 of the APC gene, results from an A to G substitution at nucleotide position 2380. The serine at codon 794 is replaced by glycine, an amino acid with similar properties. This amino acid position is conserved. In addition, in silico predictors for this gene do not accurately predict pathogenicity. Based on the available evidence, the clinical significance of this variant remains unclear.

Labcorp Genetics (formerly Invitae), Labcorp
Classification: Uncertain significance for Familial adenomatous polyposis 1. Last evaluated: 2025-03-12. Review status: criteria provided, single submitter. Criteria: Invitae Variant Classification Sherloc (09022015). Collection method: clinical testing. Allele origin: germline.
Comment: This sequence change replaces serine, which is neutral and polar, with glycine, which is neutral and non-polar, at codon 794 of the APC protein (p.Ser794Gly). This variant is not present in population databases (gnomAD no frequency). This variant has not been reported in the literature in individuals affected with APC-related conditions. ClinVar contains an entry for this variant (Variation ID: 2865822). Invitae Evidence Modeling of protein sequence and biophysical properties (such as structural, functional, and spatial information, amino acid conservation, physicochemical variation, residue mobility, and thermodynamic stability) indicates that this missense variant is not expected to disrupt APC protein function with a negative predictive value of 95%. In summary, the available evidence is currently insufficient to determine the role of this variant in disease. Therefore, it has been classified as a Variant of Uncertain Significance.